The following is an entry in ClinVar:

ClinVar aggregate classification (germline): Conflicting classifications of pathogenicity. Review status: criteria provided, conflicting classifications (1 of 4 stars). 5 submissions from 5 submitters: Uncertain significance (1); Likely benign (4). Last evaluated 2025-11-03.

Conditions:
TTN-related disorder. Also called: TTN-related condition; TTN-related disease; TTN-related disorders.
Cardiovascular phenotype. Identifiers: MedGen CN230736.
Dilated cardiomyopathy 1G (CMD1G). Identifiers: Orphanet 154, MedGen C1858763, MONDO:0011400, OMIM 604145.
Autosomal recessive limb-girdle muscular dystrophy type 2J (LGMDR10). Also called: Limb-girdle muscular dystrophy, type 2J; MUSCULAR DYSTROPHY, LIMB-GIRDLE, AUTOSOMAL RECESSIVE 10. Identifiers: Orphanet 140922, MedGen C1837342, MONDO:0012127, OMIM 608807.

Allele frequency attached by ClinVar (database versions not stated): gnomAD exomes below 0.00001; ExAC 0.00001; TOPMed 0.00002; gnomAD 0.00003.
gnomAD v4.1: 5 of 1,612,602 alleles (0.00031%); highest among the groups gnomAD compares: African/African-American, 0.0067%; no homozygotes.

Submissions (5):

Labcorp Genetics (formerly Invitae), Labcorp
Classification: Likely benign for Dilated cardiomyopathy 1G; Autosomal recessive limb-girdle muscular dystrophy type 2J. Last evaluated: 2025-11-03. Review status: criteria provided, single submitter. Criteria: Invitae Variant Classification Sherloc (09022015). Collection method: clinical testing. Allele origin: germline.

PreventionGenetics, part of Exact Sciences
Classification: Likely benign for TTN-related condition. Last evaluated: 2025-04-07. Review status: criteria provided, single submitter. Criteria: ACMG Guidelines, 2015. Collection method: clinical testing. Allele origin: germline.
Comment: This variant is classified as likely benign based on ACMG/AMP sequence variant interpretation guidelines (Richards et al. 2015 PMID: 25741868, with internal and published modifications).

GeneDx
Classification: Likely benign. Last evaluated: 2021-06-07. Review status: criteria provided, single submitter. Criteria: GeneDx Variant Classification Process June 2021. Collection method: clinical testing. Allele origin: germline. Affected: yes.

Ambry Genetics
Classification: Likely benign for Cardiovascular phenotype. Last evaluated: 2019-12-13. Review status: criteria provided, single submitter. Criteria: Ambry Variant Classification Scheme 2023. Collection method: clinical testing. Allele origin: germline.

Eurofins Ntd Llc (ga)
Classification: Uncertain significance. Last evaluated: 2014-10-30. Review status: criteria provided, single submitter. Criteria: EGL Classification Definitions 2015. Collection method: clinical testing. Allele origin: germline. Observed: 1 variant allele, 1 heterozygote.

NM_001267550.2(TTN):c.54054G>A (p.Lys18018=)

Genes: TTN (titin; minus strand), TTN-AS1 (TTN antisense RNA 1; plus strand). Cytogenetic location: 2q31.2.
Variant type: single nucleotide variant.
Coding change: c.54054G>A on transcript NM_001267550.2 (MANE Select); coding-DNA position 54054, G replaced by A.
Protein change: p.Lys18018=; no amino-acid change (lysine 18018 retained).
Molecular consequence: synonymous variant. On other transcripts: non-coding transcript variant (1).
Genome position (GRCh38, 1-based): chr2:178,605,123, C>T on the plus strand (G>A on the coding strand, the complement: TTN is on the minus strand). VCF-style: chr2-178605123-C-T. GRCh37 (hg19) VCF-style: chr2-179469850-C-T.
Other names: c.49131G>A, p.Lys16377= (NM_001256850.1); c.26859G>A, p.Lys8953= (NM_003319.4); c.46350G>A, p.Lys15450= (NM_133378.4); c.27234G>A, p.Lys9078= (NM_133432.3); c.27435G>A, p.Lys9145= (NM_133437.4).
Identifiers: ClinVar variation 195717 (VCV000195717.20), dbSNP rs761146363, ClinGen allele CA242271.